The following is an entry in ClinVar:

NM_206937.2(LIG4):c.2641A>T (p.Thr881Ser)

Gene: LIG4 (DNA ligase 4; minus strand). Cytogenetic location: 13q33.3.
Variant type: single nucleotide variant.
Coding change: c.2641A>T on transcript NM_206937.2 (MANE Select); coding-DNA position 2641, A replaced by T.
Protein change: p.Thr881Ser; replaces threonine 881 with serine.
Molecular consequence: missense variant.
Genome position (GRCh38, 1-based): chr13:108,208,628, T>A on the plus strand (A>T on the coding strand, the complement: LIG4 is on the minus strand). VCF-style: chr13-108208628-T-A. GRCh37 (hg19) VCF-style: chr13-108860976-T-A.
Other names: c.2641A>T, p.Thr881Ser (NM_001098268.2, NM_001352598.2, NM_001352599.2 and 6 more transcripts); c.2440A>T, p.Thr814Ser (NM_001330595.2); c.2677A>T, p.Thr893Ser (NM_001352604.2); short protein forms T881S, T893S, T814S.
Identifiers: ClinVar variation 5023580 (VCV005023580.1).

ClinVar aggregate classification (germline): Uncertain significance (1 of 4 stars; one submission).

Conditions:
Inborn genetic diseases. Identifiers: MedGen C0950123, MeSH D030342.

gnomAD v4.1: 7 of 1,613,588 alleles (0.00043%); highest among the groups gnomAD compares: East Asian, 0.016%; no homozygotes.

Submission:

Ambry Genetics
Classification: Uncertain significance for Inborn genetic diseases. Last evaluated: 2026-07-20. Review status: criteria provided, single submitter. Criteria: Ambry Variant Classification Scheme 2023. Collection method: clinical testing. Allele origin: germline.
Comment: The c.2641A>T (p.T881S) alteration is located in exon 2 (coding exon 1) of the LIG4 gene. This alteration results from a A to T substitution at nucleotide position 2641, causing the threonine (T) at amino acid position 881 to be replaced by a serine (S). Based on data from gnomAD, the T allele has an overall frequency of 0.001% (4/282406) total alleles studied. The highest observed frequency was 0.02% (4/19940) of East Asian alleles. Based on insufficient or conflicting evidence, the clinical significance of this alteration remains unclear.